The following is an entry in ClinVar:

ClinVar aggregate classification (germline): Uncertain significance. Review status: criteria provided, multiple submitters, no conflicts (2 of 4 stars). 4 submissions from 4 submitters: Uncertain significance (4). Last evaluated 2025-07-10.

Conditions:
Ataxia-telangiectasia syndrome (AT). Also called: Ataxia-telangiectasia, complementation group E; Cerebello-oculocutaneous telangiectasia; Immunodeficiency with ataxia telangiectasia; Ataxia-telangiectasia, complementation group D; AT, COMPLEMENTATION GROUP C; Ataxia-telangiectasia. Identifiers: Orphanet 100, MedGen C0004135, MONDO:0008840, OMIM 208900.
Hereditary cancer-predisposing syndrome. Also called: Neoplastic Syndromes, Hereditary; Hereditary Cancer Syndrome; Hereditary neoplastic syndrome; Tumor predisposition. Identifiers: Orphanet 140162, MedGen C0027672, MeSH D009386, MONDO:0015356.

gnomAD v4.1: 4 of 1,613,400 alleles (0.00025%); highest among the groups gnomAD compares: Non-Finnish European, 0.00034%; no homozygotes.

Submissions (4):

Ambry Genetics
Classification: Uncertain significance for Hereditary cancer-predisposing syndrome. Last evaluated: 2025-07-10. Review status: criteria provided, single submitter. Criteria: Ambry Variant Classification Scheme 2023. Collection method: clinical testing. Allele origin: germline.
Comment: The p.R1489L variant (also known as c.4466G>T), located in coding exon 29 of the ATM gene, results from a G to T substitution at nucleotide position 4466. The arginine at codon 1489 is replaced by leucine, an amino acid with dissimilar properties. This amino acid position is well conserved in available vertebrate species. In addition, the in silico prediction for this alteration is inconclusive. Since supporting evidence is limited at this time, the clinical significance of this alteration remains unclear.

Labcorp Genetics (formerly Invitae), Labcorp
Classification: Uncertain significance for Ataxia-telangiectasia syndrome. Last evaluated: 2023-07-07. Review status: criteria provided, single submitter. Criteria: Invitae Variant Classification Sherloc (09022015). Collection method: clinical testing. Allele origin: germline.
Comment: An algorithm developed to predict the effect of missense changes on protein structure and function (PolyPhen-2) suggests that this variant¬†is likely to be tolerated. ClinVar contains an entry for this variant (Variation ID: 847998). This variant has not been reported in the literature in individuals affected with ATM-related conditions. This variant is present in population databases (rs201594549, gnomAD 0.002%). This sequence change replaces arginine, which is basic and polar, with leucine, which is neutral and non-polar, at codon 1489 of the ATM protein (p.Arg1489Leu). In summary, the available evidence is currently insufficient to determine the role of this variant in disease. Therefore, it has been classified as a Variant of Uncertain Significance.

Sema4
Classification: Uncertain significance for Hereditary cancer-predisposing syndrome. Last evaluated: 2022-03-16. Review status: criteria provided, single submitter. Criteria: Sema4 Curation Guidelines. Collection method: curation. Allele origin: germline.
Comment: The ATM c.4466G>T (p.R1489L) variant has been reported in heterozygosity in at least one individual with breast cancer (PMID: 33471991). It was observed in 2/113522 chromosomes of the Non-Finnish European subpopulation in the large and broad cohorts of the Genome Aggregation Database (PMID: 32461654). The variant has been reported in ClinVar (Variation ID 847998). Functional studies have not been performed, and in silico predictions of the variant's effect on protein function are inconclusive. The evidence is insufficient to meet ACMG/AMP criteria for classifying the variant as benign or pathogenic. Thus, the clinical significance of this variant is currently uncertain.

Color Diagnostics, LLC DBA Color Health
Classification: Uncertain significance for Hereditary cancer-predisposing syndrome. Last evaluated: 2019-11-25. Review status: criteria provided, single submitter. Criteria: ACMG Guidelines, 2015. Collection method: clinical testing. Allele origin: germline.
Comment: This missense variant replaces arginine with leucine at codon 1489 of the ATM protein. Computational prediction is inconclusive regarding the impact of this variant on protein structure and function (internally defined REVEL score threshold 0.5 < inconclusive < 0.7, PMID: 27666373). Splice site prediction tools suggest that this variant may not impact RNA splicing. To our knowledge, functional studies have not been performed for this variant. This variant has not been reported in individuals affected with hereditary cancer in the literature. This variant has been identified in 2/251278 chromosomes in the general population by the Genome Aggregation Database (gnomAD). The available evidence is insufficient to determine the role of this variant in disease conclusively. Therefore, this variant is classified as a Variant of Uncertain Significance.

Literature cited by the submitters: PubMed 33471991 (cited by Sema4).

NM_000051.4(ATM):c.4466G>T (p.Arg1489Leu)

Gene: ATM (ATM serine/threonine kinase; plus strand). Cytogenetic location: 11q22.3.
Variant type: single nucleotide variant.
Coding change: c.4466G>T on transcript NM_000051.4 (MANE Select); coding-DNA position 4466, G replaced by T.
Protein change: p.Arg1489Leu; replaces arginine 1489 with leucine.
Molecular consequence: missense variant.
Genome position (GRCh38, 1-based): chr11:108,292,648, G>T. VCF-style: chr11-108292648-G-T. GRCh37 (hg19) VCF-style: chr11-108163375-G-T.
Other names: c.4466G>T, p.Arg1489Leu (NM_001351834.2); short protein forms R1489L.
Identifiers: ClinVar variation 847998 (VCV000847998.12), dbSNP rs201594549, ClinGen allele CA6265480.